The following is an entry in ClinVar:

NM_000179.3(MSH6):c.260+6G>A

Genes: MSH6 (mutS homolog 6; plus strand), LOC129933707 (ATAC-STARR-seq lymphoblastoid silent region 11468; plus strand). Cytogenetic location: 2p16.3.
Variant type: single nucleotide variant.
Coding change: c.260+6G>A on transcript NM_000179.3 (MANE Select); 6 bases into the intron after coding-DNA position 260, G replaced by A.
Molecular consequence: intron variant.
Genome position (GRCh38, 1-based): chr2:47,783,499, G>A. VCF-style: chr2-47783499-G-A. GRCh37 (hg19) VCF-style: chr2-48010638-G-A.
Other names: c.260+6G>A (NM_001406809.1, NM_001406796.1, NM_001406795.1 and 8 more transcripts); c.-477+6G>A (NM_001406811.1, NM_001281493.2); c.-38+268G>A (NM_001406805.1, NM_001406797.1, NM_001406801.1); c.-669+6G>A (NM_001406807.1); c.-735+6G>A (NM_001406814.1); c.-324+6G>A (NM_001406812.1); c.-69+6G>A (NM_001406799.1); c.-280+6G>A (NM_001406816.1); and 4 more.
Identifiers: ClinVar variation 2988610 (VCV002988610.3), dbSNP rs1668139912, ClinGen allele CA2658965889.
Genomic context (GRCh38, chr2:47,783,499, plus strand): 5'-CGAAGAACCTCAACGGAGGGCTGCGGAGATCGGTAGCGCCTGCTGCCCCCACCAGGTAGC[G>A]GGGTGGGGGTGGGGTCGAAGGCGGGGGCATAGCGGCGGGGCGCTTGGAACCCGGCGAGGG-3'

ClinVar aggregate classification (germline): Uncertain significance (1 of 4 stars; one submission).

Conditions:
Hereditary nonpolyposis colorectal neoplasms. Identifiers: MedGen C0009405, MeSH D003123.

Submission:

Labcorp Genetics (formerly Invitae), Labcorp
Classification: Uncertain significance for Hereditary nonpolyposis colorectal neoplasms. Last evaluated: 2024-04-30. Review status: criteria provided, single submitter. Criteria: Invitae Variant Classification Sherloc (09022015). Collection method: clinical testing. Allele origin: germline.
Comment: This sequence change falls in intron 1 of the MSH6 gene. It does not directly change the encoded amino acid sequence of the MSH6 protein. It affects a nucleotide within the consensus splice site. This variant is not present in population databases (gnomAD no frequency). This variant has not been reported in the literature in individuals affected with MSH6-related conditions. Variants that disrupt the consensus splice site are a relatively common cause of aberrant splicing (PMID: 17576681, 9536098). Algorithms developed to predict the effect of sequence changes on RNA splicing suggest that this variant is not likely to affect RNA splicing. In summary, the available evidence is currently insufficient to determine the role of this variant in disease. Therefore, it has been classified as a Variant of Uncertain Significance.

Literature cited by the submitters: PubMed 17576681; PubMed 9536098.